The following is an entry in ClinVar:

ClinVar aggregate classification (germline): Uncertain significance (1 of 4 stars; one submission).

gnomAD v4.1: 3 of 1,614,174 alleles (0.00019%); highest among the groups gnomAD compares: Non-Finnish European, 0.00025%; no homozygotes.

Submission:

Labcorp Genetics (formerly Invitae), Labcorp
Classification: Uncertain significance. Last evaluated: 2025-08-24. Review status: criteria provided, single submitter. Criteria: Invitae Variant Classification Sherloc (09022015). Collection method: clinical testing. Allele origin: germline.
Comment: This sequence change replaces glutamic acid, which is acidic and polar, with aspartic acid, which is acidic and polar, at codon 641 of the DUOX2 protein (p.Glu641Asp). This variant is present in population databases (rs759558827, gnomAD 0.0009%). This variant has not been reported in the literature in individuals affected with DUOX2-related conditions. Invitae Evidence Modeling of protein sequence and biophysical properties (such as structural, functional, and spatial information, amino acid conservation, physicochemical variation, residue mobility, and thermodynamic stability) indicates that this missense variant is not expected to disrupt DUOX2 protein function with a negative predictive value of 80%. In summary, the available evidence is currently insufficient to determine the role of this variant in disease. Therefore, it has been classified as a Variant of Uncertain Significance.

NM_001363711.2(DUOX2):c.1923A>C (p.Glu641Asp)

Gene: DUOX2 (dual oxidase 2; minus strand). Cytogenetic location: 15q21.1.
Variant type: single nucleotide variant.
Coding change: c.1923A>C on transcript NM_001363711.2 (MANE Select); coding-DNA position 1923, A replaced by C.
Protein change: p.Glu641Asp; replaces glutamic acid 641 with aspartic acid.
Molecular consequence: missense variant.
Genome position (GRCh38, 1-based): chr15:45,106,550, T>G on the plus strand (A>C on the coding strand, the complement: DUOX2 is on the minus strand). VCF-style: chr15-45106550-T-G. GRCh37 (hg19) VCF-style: chr15-45398748-T-G.
Other names: c.1923A>C, p.Glu641Asp (NM_014080.5); short protein forms E641D.
Identifiers: ClinVar variation 4766733 (VCV004766733.1).